The following is an entry in ClinVar:

ClinVar aggregate classification (germline): Uncertain significance. Review status: criteria provided, multiple submitters, no conflicts (2 of 4 stars). 3 submissions from 3 submitters: Uncertain significance (3). Last evaluated 2025-05-26.

Allele frequency attached by ClinVar (database versions not stated): gnomAD 0.00001; gnomAD exomes 0.00001; TOPMed 0.00001.
gnomAD v4.1: 4 of 1,609,542 alleles (0.00025%); highest among the groups gnomAD compares: Admixed American, 0.0017%; no homozygotes.

Submissions (3):

Ambry Genetics
Classification: Uncertain significance. Last evaluated: 2025-05-26. Review status: criteria provided, single submitter. Criteria: Ambry Variant Classification Scheme 2023. Collection method: clinical testing. Allele origin: germline.

Labcorp Genetics (formerly Invitae), Labcorp
Classification: Uncertain significance. Last evaluated: 2025-02-17. Review status: criteria provided, single submitter. Criteria: Invitae Variant Classification Sherloc (09022015). Collection method: clinical testing. Allele origin: germline.
Comment: This sequence change replaces glycine, which is neutral and non-polar, with glutamic acid, which is acidic and polar, at codon 277 of the CA4 protein (p.Gly277Glu). This variant is present in population databases (rs771400562, gnomAD 0.002%). This variant has not been reported in the literature in individuals affected with CA4-related conditions. ClinVar contains an entry for this variant (Variation ID: 1047621). Invitae Evidence Modeling of protein sequence and biophysical properties (such as structural, functional, and spatial information, amino acid conservation, physicochemical variation, residue mobility, and thermodynamic stability) indicates that this missense variant is not expected to disrupt CA4 protein function with a negative predictive value of 80%. In summary, the available evidence is currently insufficient to determine the role of this variant in disease. Therefore, it has been classified as a Variant of Uncertain Significance.

Breakthrough Genomics
Classification: Uncertain significance. Review status: criteria provided, single submitter. Criteria: ACMG Guidelines, 2015. Collection method: not provided. Allele origin: germline. Inheritance: Unknown mechanism. Affected: yes.

NM_000717.5(CA4):c.830G>A (p.Gly277Glu)

Gene: CA4 (carbonic anhydrase 4; plus strand). Cytogenetic location: 17q23.1.
Variant type: single nucleotide variant.
Coding change: c.830G>A on transcript NM_000717.5 (MANE Select); coding-DNA position 830, G replaced by A.
Protein change: p.Gly277Glu; replaces glycine 277 with glutamic acid.
Molecular consequence: missense variant. On other transcripts: non-coding transcript variant (1).
Genome position (GRCh38, 1-based): chr17:60,159,315, G>A. VCF-style: chr17-60159315-G-A. GRCh37 (hg19) VCF-style: chr17-58236676-G-A.
Other names: c.830G>A (NM_000717.3); short protein forms G277E.
Identifiers: ClinVar variation 1047621 (VCV001047621.8), dbSNP rs771400562, ClinGen allele CA292207691.
Genomic context (GRCh38, chr17:60,159,315, plus strand): 5'-ACTACGACAAGGAACAGACAGTGAGCATGAAGGACAATGTCAGGCCCCTGCAGCAGCTGG[G>A]GCAGCGCACGGTGATAAAGTCCGGGGCCCCGGGTCGGCCGCTGCCCTGGGCCCTGCCTGC-3'
Protein context (NP_000708.1, residues 267-287): KDNVRPLQQL[Gly277Glu]QRTVIKSGAP